The following is an entry in ClinVar:

NM_005535.3(IL12RB1):c.64+2T>G

Gene: IL12RB1 (interleukin 12 receptor subunit beta 1; minus strand). Cytogenetic location: 19p13.11.
Variant type: single nucleotide variant.
Coding change: c.64+2T>G on transcript NM_005535.3 (MANE Select); the canonical splice donor site of the intron after coding-DNA position 64, T replaced by G.
Molecular consequence: splice donor variant.
Genome position (GRCh38, 1-based): chr19:18,086,758, A>C on the plus strand (T>G on the coding strand, the complement: IL12RB1 is on the minus strand). VCF-style: chr19-18086758-A-C. GRCh37 (hg19) VCF-style: chr19-18197568-A-C.
Other names: c.184+2T>G (NM_001290024.2, NM_001440427.1, NM_001440426.1 and 1 more transcripts); c.64+2T>G (NM_001290023.2, NM_001440425.1, NM_001440424.1 and 1 more transcripts).
Identifiers: ClinVar variation 2138260 (VCV002138260.6), dbSNP rs765825621, ClinGen allele CA306141505.

ClinVar aggregate classification (germline): Pathogenic. Review status: criteria provided, multiple submitters, no conflicts (2 of 4 stars). 3 submissions from 3 submitters: Pathogenic (3). Last evaluated 2025-09-10.

Conditions:
Mendelian susceptibility to mycobacterial diseases due to complete IL12RB1 deficiency. Also called: Immunodeficiency 30; IL12RB1 DEFICIENCY. Identifiers: Orphanet 319552, MedGen C4013949, MONDO:0013955, OMIM 614891.

gnomAD v4.1: 4 of 1,608,804 alleles (0.00025%); highest among the groups gnomAD compares: Non-Finnish European, 0.00034%; no homozygotes.

Submissions (3):

Genomic Medicine Center of Excellence, King Faisal Specialist Hospital and Research Centre
Classification: Pathogenic for Mendelian susceptibility to mycobacterial diseases due to complete IL12RB1 deficiency. Last evaluated: 2025-09-10. Review status: criteria provided, single submitter. Criteria: ACMG Guidelines, 2015. Collection method: clinical testing. Allele origin: germline.

3billion
Classification: Pathogenic for Mendelian susceptibility to mycobacterial diseases due to complete IL12RB1 deficiency. Last evaluated: 2023-08-07. Review status: criteria provided, single submitter. Criteria: ACMG Guidelines, 2015. Collection method: clinical testing. Allele origin: germline. Affected: yes.
Comment: The variant is observed at an extremely low frequency in the gnomAD v2.1.1 dataset (total allele frequency: 0.000%). Predicted Consequence/Location: Canonical splice site: predicted to alter splicing and result in a loss or disruption of normal protein function. Multiple pathogenic loss-of-function variants are reported downstream of the variant. Regardless of the mechanism, a variant called homozygous is by default in trans. The variant has been reported to be associated with IL12RB1 related disorder (ClinVar ID: VCV002138260 /PMID: 21057261). Therefore, this variant is classified as Pathogenic according to the recommendation of ACMG/AMP guideline.

Labcorp Genetics (formerly Invitae), Labcorp
Classification: Pathogenic for Mendelian susceptibility to mycobacterial diseases due to complete IL12RB1 deficiency. Last evaluated: 2022-09-22. Review status: criteria provided, single submitter. Criteria: Invitae Variant Classification Sherloc (09022015). Collection method: clinical testing. Allele origin: germline.
Comment: For these reasons, this variant has been classified as Pathogenic. Algorithms developed to predict the effect of sequence changes on RNA splicing suggest that this variant may disrupt the consensus splice site. Disruption of this splice site has been observed in individuals with Mendelian susceptibility to mycobacterial disease (PMID: 21057261, 21905505, 30740107, 32888943). This variant is present in population databases (no rsID available, gnomAD 0.0009%). This sequence change affects a donor splice site in intron 1 of the IL12RB1 gene. It is expected to disrupt RNA splicing. Variants that disrupt the donor or acceptor splice site typically lead to a loss of protein function (PMID: 16199547), and loss-of-function variants in IL12RB1 are known to be pathogenic (PMID: 9603733, 12591909).

Literature cited by the submitters: PubMed 21057261 (cited by 3billion and Labcorp Genetics (formerly Invitae), Labcorp); PubMed 21905505 (cited by Labcorp Genetics (formerly Invitae), Labcorp); PubMed 30740107 (cited by Labcorp Genetics (formerly Invitae), Labcorp); PubMed 32888943 (cited by Labcorp Genetics (formerly Invitae), Labcorp); PubMed 16199547 (cited by Labcorp Genetics (formerly Invitae), Labcorp); PubMed 9603733 (cited by Labcorp Genetics (formerly Invitae), Labcorp); PubMed 12591909 (cited by Labcorp Genetics (formerly Invitae), Labcorp).